The following is an entry in ClinVar:

ClinVar aggregate classification (germline): Uncertain significance (1 of 4 stars; one submission).

Submission:

GeneDx
Classification: Uncertain significance. Last evaluated: 2023-10-22. Review status: criteria provided, single submitter. Criteria: GeneDx Variant Classification Process June 2021. Collection method: clinical testing. Allele origin: germline. Affected: yes.
Comment: Not observed at significant frequency in large population cohorts (gnomAD); In silico analysis supports that this missense variant has a deleterious effect on protein structure/function; Has not been previously published as pathogenic or benign to our knowledge

NM_001164760.2(PRKAR1B):c.511G>A (p.Gly171Arg)

Genes: PRKAR1B (protein kinase cAMP-dependent type I regulatory subunit beta; minus strand), PRKAR1B-AS1 (PRKAR1B antisense RNA 1; plus strand). Cytogenetic location: 7p22.3.
Variant type: single nucleotide variant.
Coding change: c.511G>A on transcript NM_001164760.2 (MANE Select); coding-DNA position 511, G replaced by A.
Protein change: p.Gly171Arg; replaces glycine 171 with arginine.
Molecular consequence: missense variant.
Genome position (GRCh38, 1-based): chr7:606,231, C>T on the plus strand (G>A on the coding strand, the complement: PRKAR1B is on the minus strand). VCF-style: chr7-606231-C-T. GRCh37 (hg19) VCF-style: chr7-645868-C-T.
Other names: c.511G>A, p.Gly171Arg (NM_001164758.2, NM_001164759.1, NM_001164761.2 and 2 more transcripts); short protein forms G171R.
Identifiers: ClinVar variation 3363399 (VCV003363399.1).